The following is an entry in ClinVar:

ClinVar aggregate classification (germline): Likely benign (0 of 4 stars; one submission).

Conditions:
PLEC-related disorder. Also called: PLEC-related condition; PLEC-related disorders.

gnomAD v4.1: 54 of 1,612,266 alleles (0.0033%); highest among the groups gnomAD compares: East Asian, 0.022%; no homozygotes.

Submission:

PreventionGenetics, part of Exact Sciences
Classification: Likely benign for PLEC-related condition. Last evaluated: 2024-09-08. Review status: no assertion criteria provided. Collection method: clinical testing. Allele origin: germline.
Comment: This variant is classified as likely benign based on ACMG/AMP sequence variant interpretation guidelines (Richards et al. 2015 PMID: 25741868, with internal and published modifications).

NM_201384.3(PLEC):c.27G>A (p.Pro9=)

Genes: PLEC (plectin; minus strand), LOC130001338 (ATAC-STARR-seq lymphoblastoid active region 28078; plus strand). Cytogenetic location: 8q24.3.
Variant type: single nucleotide variant.
Coding change: c.27G>A on transcript NM_201384.3 (MANE Select); coding-DNA position 27, G replaced by A.
Protein change: p.Pro9=; no amino-acid change (proline 9 retained).
Molecular consequence: synonymous variant. On other transcripts: intron variant (8).
Genome position (GRCh38, 1-based): chr8:143,939,435, C>T on the plus strand (G>A on the coding strand, the complement: PLEC is on the minus strand). VCF-style: chr8-143939435-C-T. GRCh37 (hg19) VCF-style: chr8-145013603-C-T.
Other names: c.194-743G>A (NM_001410941.1, NM_000445.5); c.71-743G>A (NM_201378.4); c.47-743G>A (NM_201379.3); c.524-743G>A (NM_201380.4); c.17-743G>A (NM_201381.3); c.113-743G>A (NM_201382.4); c.125-743G>A (NM_201383.3).
Identifiers: ClinVar variation 3350854 (VCV003350854.1).